The following is an entry in ClinVar:

ClinVar aggregate classification (germline): Uncertain significance (1 of 4 stars; one submission).

Allele frequency attached by ClinVar (database versions not stated): TOPMed below 0.00001.

Submission:

Labcorp Genetics (formerly Invitae), Labcorp
Classification: Uncertain significance. Last evaluated: 2022-06-23. Review status: criteria provided, single submitter. Criteria: Invitae Variant Classification Sherloc (09022015). Collection method: clinical testing. Allele origin: germline.
Comment: In summary, the available evidence is currently insufficient to determine the role of this variant in disease. Therefore, it has been classified as a Variant of Uncertain Significance. Advanced modeling of protein sequence and biophysical properties (such as structural, functional, and spatial information, amino acid conservation, physicochemical variation, residue mobility, and thermodynamic stability) performed at Invitae indicates that this missense variant is not expected to disrupt CLCN7 protein function. This variant has not been reported in the literature in individuals affected with CLCN7-related conditions. This variant is present in population databases (no rsID available, gnomAD 0.003%). This sequence change replaces valine, which is neutral and non-polar, with methionine, which is neutral and non-polar, at codon 630 of the CLCN7 protein (p.Val630Met).

NM_001287.6(CLCN7):c.1888G>A (p.Val630Met)

Gene: CLCN7 (chloride voltage-gated channel 7; minus strand). Cytogenetic location: 16p13.3.
Variant type: single nucleotide variant.
Coding change: c.1888G>A on transcript NM_001287.6 (MANE Select); coding-DNA position 1888, G replaced by A.
Protein change: p.Val630Met; replaces valine 630 with methionine.
Molecular consequence: missense variant.
Genome position (GRCh38, 1-based): chr16:1,448,480, C>T on the plus strand (G>A on the coding strand, the complement: CLCN7 is on the minus strand). VCF-style: chr16-1448480-C-T. GRCh37 (hg19) VCF-style: chr16-1498481-C-T.
Other names: c.1816G>A, p.Val606Met (NM_001114331.3); short protein forms V606M, V630M.
Identifiers: ClinVar variation 2007934 (VCV002007934.4), dbSNP rs751747803, ClinGen allele CA394186233.